The following is an entry in ClinVar:

NM_001348716.2(KDM6B):c.4172A>G (p.Gln1391Arg)

Genes: KDM6B (lysine demethylase 6B; plus strand), LOC121587574 (Sharpr-MPRA regulatory region 3930; plus strand). Cytogenetic location: 17p13.1.
Variant type: single nucleotide variant.
Coding change: c.4172A>G on transcript NM_001348716.2 (MANE Select); coding-DNA position 4172, A replaced by G.
Protein change: p.Gln1391Arg; replaces glutamine 1391 with arginine.
Molecular consequence: missense variant.
Genome position (GRCh38, 1-based): chr17:7,851,957, A>G. VCF-style: chr17-7851957-A-G. GRCh37 (hg19) VCF-style: chr17-7755275-A-G.
Other names: c.4172A>G, p.Gln1391Arg (NM_001080424.2); short protein forms Q1391R.
Identifiers: ClinVar variation 3254678 (VCV003254678.1), dbSNP rs2544533809.

ClinVar aggregate classification (germline): Likely pathogenic (1 of 4 stars; one submission).

Conditions:
Neurodevelopmental disorder with coarse facies and mild distal skeletal abnormalities. Also called: STOLERMAN NEURODEVELOPMENTAL SYNDROME. Identifiers: MedGen C5193134, MONDO:0032790, OMIM 618505.

Submission:

Victorian Clinical Genetics Services, Murdoch Childrens Research Institute
Classification: Likely pathogenic for Neurodevelopmental disorder with coarse facies and mild distal skeletal abnormalities. Last evaluated: 2023-12-21. Review status: criteria provided, single submitter. Criteria: ACMG Guidelines, 2015. Collection method: clinical testing. Allele origin: germline. Inheritance: Autosomal dominant inheritance. Affected: yes.
Comment: Based on the classification scheme VCGS_Germline_v1.3.4, this variant is classified as Likely Pathogenic. Following criteria are met: 0102 - Loss of function is a known mechanism of disease in this gene and is associated with neurodevelopmental disorder with coarse facies and mild distal skeletal abnormalities (MIM#618505). (I) 0107 - This gene is associated with autosomal dominant disease. (I) 0200 - Variant is predicted to result in a missense amino acid change from glutamine to arginine. (I) 0251 - This variant is heterozygous. (I) 0301 - Variant is absent from gnomAD (both v2 and v3). (SP) 0502 - Missense variant with conflicting in silico predictions and uninformative conservation. (I) 0602 - Variant is located in a hotspot region or cluster of pathogenic variants, within the JmjC hydroxylase domain (DECIPHER, PMID: 31124279, PMID: 37196654). (SP) 0705 - No comparable missense variants have previous evidence for pathogenicity. (I) 0807 - This variant has no previous evidence of pathogenicity. (I) 0905 - No published segregation evidence has been identified for this variant. (I) 1007 - No published functional evidence has been identified for this variant. (SP) Legend: (SP) - Supporting pathogenic, (I) - Information, (SB) - Supporting benign

Literature cited by the submitters: PubMed 31124279; PubMed 37196654.